The following is an entry in ClinVar:

ClinVar aggregate classification (germline): Uncertain significance (1 of 4 stars; one submission).

Allele frequency attached by ClinVar (database versions not stated): gnomAD exomes 0.00001.
gnomAD v4.1: 11 of 1,605,546 alleles (0.00069%); highest among the groups gnomAD compares: Middle Eastern, 0.016%; no homozygotes.

Submission:

Labcorp Genetics (formerly Invitae), Labcorp
Classification: Uncertain significance. Last evaluated: 2021-03-19. Review status: criteria provided, single submitter. Criteria: Invitae Variant Classification Sherloc (09022015). Collection method: clinical testing. Allele origin: germline.
Comment: This sequence change replaces glycine with arginine at codon 134 of the WHRN protein (p.Gly134Arg). The glycine residue is moderately conserved and there is a moderate physicochemical difference between glycine and arginine. In summary, the available evidence is currently insufficient to determine the role of this variant in disease. Therefore, it has been classified as a Variant of Uncertain Significance. Algorithms developed to predict the effect of missense changes on protein structure and function are either unavailable or do not agree on the potential impact of this missense change (SIFT: "Tolerated"; PolyPhen-2: "Possibly Damaging"; Align-GVGD: "Class C0"). This variant has not been reported in the literature in individuals with WHRN-related conditions. This variant is present in population databases (rs761031396, ExAC 0.002%).

NM_015404.4(WHRN):c.400G>A (p.Gly134Arg)

Gene: WHRN (whirlin; minus strand). Cytogenetic location: 9q32.
Variant type: single nucleotide variant.
Coding change: c.400G>A on transcript NM_015404.4 (MANE Select); coding-DNA position 400, G replaced by A.
Protein change: p.Gly134Arg; replaces glycine 134 with arginine.
Molecular consequence: missense variant.
Genome position (GRCh38, 1-based): chr9:114,504,402, C>T on the plus strand (G>A on the coding strand, the complement: WHRN is on the minus strand). VCF-style: chr9-114504402-C-T. GRCh37 (hg19) VCF-style: chr9-117266682-C-T.
Other names: c.400G>A, p.Gly134Arg (NM_001173425.2); short protein forms G134R.
Identifiers: ClinVar variation 1379745 (VCV001379745.6), dbSNP rs761031396, ClinGen allele CA5206291.
Genomic context (GRCh38, chr9:114,504,402, plus strand): 5'-AGCCCAAGCCCTCGTGGGCCTTGGCACGCCGCAAACTCACCAGGCGCACCTCCCCTGGCC[C>T]CGCGCTGTCGGGGCCGCCCCAGGCGGGCTGCCTGTAGGGGGTGGTGGCGGGCAGGTAGAG-3'
Protein context (NP_056219.3, residues 124-144): QPAWGGPDSA[Gly134Arg]PGEVRLVSLR